The following is an entry in ClinVar:

ClinVar aggregate classification (germline): Pathogenic/Likely pathogenic. Review status: criteria provided, multiple submitters, no conflicts (2 of 4 stars). 4 submissions from 4 submitters: Pathogenic (3); Likely pathogenic (1). Last evaluated 2025-06-30.

Conditions:
Hereditary cancer-predisposing syndrome. Also called: Tumor predisposition; Hereditary neoplastic syndrome; Neoplastic Syndromes, Hereditary; Hereditary Cancer Syndrome. Identifiers: Orphanet 140162, MedGen C0027672, MeSH D009386, MONDO:0015356.
Familial cancer of breast. Also called: Hereditary breast cancer; hereditary breast carcinoma; BREAST CANCER, FAMILIAL. Identifiers: Orphanet 227535, MedGen C0346153, MONDO:0016419, OMIM 114480. Disease mechanism: loss of function.

Submissions (4):

Ambry Genetics
Classification: Pathogenic for Hereditary cancer-predisposing syndrome. Last evaluated: 2025-06-30. Review status: criteria provided, single submitter. Criteria: Ambry Variant Classification Scheme 2023. Collection method: clinical testing. Allele origin: germline.
Comment: The p.L467* pathogenic mutation (also known as c.1400T>A), located in coding exon 12 of the CHEK2 gene, results from a T to A substitution at nucleotide position 1400. This changes the amino acid from a leucine to a stop codon within coding exon 12. This variant is considered to be rare based on population cohorts in the Genome Aggregation Database (gnomAD). This alteration is expected to result in loss of function by premature protein truncation or nonsense-mediated mRNA decay. As such, this alteration is interpreted as a disease-causing mutation.

Laboratory of Genetics, Children's Clinical University Hospital Latvia
Classification: Likely pathogenic. Last evaluated: 2025-02-16. Review status: criteria provided, single submitter. Criteria: ACMG Guidelines, 2015. Collection method: clinical testing. Allele origin: germline. Affected: yes.

Myriad Genetics, Inc.
Classification: Pathogenic for Familial cancer of breast. Last evaluated: 2023-06-28. Review status: criteria provided, single submitter. Criteria: Myriad Autosomal Dominant, Autosomal Recessive and X-Linked Classification Criteria (2023). Collection method: clinical testing. Allele origin: unknown.
Comment: This variant is considered pathogenic. This variant creates a termination codon and is predicted to result in premature protein truncation.

Labcorp Genetics (formerly Invitae), Labcorp
Classification: Pathogenic for Familial cancer of breast. Last evaluated: 2020-10-15. Review status: criteria provided, single submitter. Criteria: Invitae Variant Classification Sherloc (09022015). Collection method: clinical testing. Allele origin: germline.
Comment: This sequence change creates a premature translational stop signal (p.Leu467*) in the CHEK2 gene. It is expected to result in an absent or disrupted protein product. This variant is not present in population databases (ExAC no frequency). This variant has not been reported in the literature in individuals with CHEK2-related conditions. Loss-of-function variants in CHEK2 are known to be pathogenic (PMID: 21876083, 24713400). For these reasons, this variant has been classified as Pathogenic.

Literature cited by the submitters: PubMed 21876083 (cited by Labcorp Genetics (formerly Invitae), Labcorp); PubMed 24713400 (cited by Labcorp Genetics (formerly Invitae), Labcorp).

NM_007194.4(CHEK2):c.1400T>A (p.Leu467Ter)

Gene: CHEK2 (checkpoint kinase 2; minus strand). Cytogenetic location: 22q12.1.
Variant type: single nucleotide variant.
Coding change: c.1400T>A on transcript NM_007194.4 (MANE Select); coding-DNA position 1400, T replaced by A.
Protein change: p.Leu467Ter; replaces leucine 467 with a stop codon.
Molecular consequence: nonsense.
Genome position (GRCh38, 1-based): chr22:28,694,093, A>T on the plus strand (T>A on the coding strand, the complement: CHEK2 is on the minus strand). VCF-style: chr22-28694093-A-T. GRCh37 (hg19) VCF-style: chr22-29090081-A-T.
Other names: c.1529T>A, p.Leu510Ter (NM_001005735.3); c.737T>A, p.Leu246Ter (NM_001257387.3); c.1199T>A, p.Leu400Ter (NM_001349956.3); c.1313T>A, p.Leu438Ter (NM_145862.3); short protein forms L246*, L400*, L438*, L467*, L510*.
Identifiers: ClinVar variation 1074094 (VCV001074094.13), dbSNP rs1555913161, ClinGen allele CA411094405.
Genomic context (GRCh38, chr22:28,694,093, plus strand): 5'-TGAAGCCACGGGTGTCTTAAGGCTTCTTCTGTCGTAAAACGTGCCTTTGGATCCACTACC[A>T]ACAACTTCTTGACAAGGTCCAGAGCTAAAGCAACAATTGGGCAAATCACAGTGAAAAGGA-3'